The following is an entry in ClinVar:

NM_003873.7(NRP1):c.29C>T (p.Ala10Val)

Gene: NRP1 (neuropilin 1; minus strand). Cytogenetic location: 10p11.22.
Variant type: single nucleotide variant.
Coding change: c.29C>T on transcript NM_003873.7 (MANE Select); coding-DNA position 29, C replaced by T.
Protein change: p.Ala10Val; replaces alanine 10 with valine.
Molecular consequence: missense variant. On other transcripts: non-coding transcript variant (1).
Genome position (GRCh38, 1-based): chr10:33,334,354, G>A on the plus strand (C>T on the coding strand, the complement: NRP1 is on the minus strand). VCF-style: chr10-33334354-G-A. GRCh37 (hg19) VCF-style: chr10-33623282-G-A.
Other names: c.29C>T, p.Ala10Val (NM_001024628.3, NM_001024629.3, NM_001244972.2 and 2 more transcripts); short protein forms A10V.
Identifiers: ClinVar variation 3030617 (VCV003030617.3), dbSNP rs2493508921, ClinGen allele CA376510525.

ClinVar aggregate classification (germline): Uncertain significance (1 of 4 stars; one submission).

Conditions:
NRP1-related disorder. Also called: NRP1-related condition.

Submission:

PreventionGenetics, part of Exact Sciences
Classification: Uncertain significance for NRP1-related condition. Last evaluated: 2025-07-14. Review status: criteria provided, single submitter. Criteria: ACMG Guidelines, 2015. Collection method: clinical testing. Allele origin: germline.
Comment: The NRP1 c.29C>T variant is predicted to result in the amino acid substitution p.Ala10Val. To our knowledge, this variant has not been reported in the literature or in a large population database (gnomAD), indicating this variant is rare. At this time, the clinical significance of this variant is uncertain due to the absence of conclusive functional and genetic evidence.